The following is an entry in ClinVar:

NM_006231.4(POLE):c.3151T>C (p.Ser1051Pro)

Gene: POLE (DNA polymerase epsilon, catalytic subunit; minus strand). Cytogenetic location: 12q24.33.
Variant type: single nucleotide variant.
Coding change: c.3151T>C on transcript NM_006231.4 (MANE Select); coding-DNA position 3151, T replaced by C.
Protein change: p.Ser1051Pro; replaces serine 1051 with proline.
Molecular consequence: missense variant.
Genome position (GRCh38, 1-based): chr12:132,659,419, A>G on the plus strand (T>C on the coding strand, the complement: POLE is on the minus strand). VCF-style: chr12-132659419-A-G. GRCh37 (hg19) VCF-style: chr12-133236005-A-G.
Other names: short protein forms S1051P.
Identifiers: ClinVar variation 423139 (VCV000423139.5), dbSNP rs1064796258, ClinGen allele CA16619468.

ClinVar aggregate classification (germline): Uncertain significance. Review status: criteria provided, multiple submitters, no conflicts (2 of 4 stars). 2 submissions from 2 submitters: Uncertain significance (2). Last evaluated 2025-01-30.

Allele frequency attached by ClinVar (database versions not stated): gnomAD exomes below 0.00001.
gnomAD v4.1: 1 of 1,614,152 alleles (0.000062%); highest among the groups gnomAD compares: Non-Finnish European, 0.000085%; no homozygotes.

Submissions (2):

Labcorp Genetics (formerly Invitae), Labcorp
Classification: Uncertain significance. Last evaluated: 2025-01-30. Review status: criteria provided, single submitter. Criteria: Invitae Variant Classification Sherloc (09022015). Collection method: clinical testing. Allele origin: germline.
Comment: This sequence change replaces serine, which is neutral and polar, with proline, which is neutral and non-polar, at codon 1051 of the POLE protein (p.Ser1051Pro). This variant is not present in population databases (gnomAD no frequency). This variant has not been reported in the literature in individuals affected with POLE-related conditions. ClinVar contains an entry for this variant (Variation ID: 423139). Invitae Evidence Modeling of protein sequence and biophysical properties (such as structural, functional, and spatial information, amino acid conservation, physicochemical variation, residue mobility, and thermodynamic stability) indicates that this missense variant is expected to disrupt POLE protein function with a positive predictive value of 80%. In summary, the available evidence is currently insufficient to determine the role of this variant in disease. Therefore, it has been classified as a Variant of Uncertain Significance.

GeneDx
Classification: Uncertain significance. Last evaluated: 2017-01-24. Review status: criteria provided, single submitter. Criteria: GeneDx Variant Classification (06012015). Collection method: clinical testing. Allele origin: germline. Affected: yes.
Comment: This variant is denoted POLE c.3151T>C at the cDNA level, p.Ser1051Pro (S1051P) at the protein level, and results in the change of a Serine to a Proline (TCT>CCT). This variant has not, to our knowledge, been published in the literature as pathogenic or benign. POLE Ser1051Pro was not observed in approximately 6,500 individuals of European and African American ancestry in the NHLBI Exome Sequencing Project, suggesting it is not a common benign variant in these populations. Since Serine and Proline differ in polarity, charge, size or other properties, this is considered a non-conservative amino acid substitution. POLE Ser1051Pro occurs at a position that is conserved across species and is not located in a known functional domain (Tahirov 2009, Preston 2010). In silico analyses predict that this variant is probably damaging to protein structure and function. Based on currently available evidence, it is unclear whether POLE Ser1051Pro is a pathogenic or benign variant. We consider it to be a variant of uncertain significance.